The following is an entry in ClinVar:

ClinVar aggregate classification (germline): Uncertain significance (1 of 4 stars; one submission).

Allele frequency attached by ClinVar (database versions not stated): gnomAD exomes below 0.00001.

Submission:

GeneDx
Classification: Uncertain significance. Last evaluated: 2017-09-05. Review status: criteria provided, single submitter. Criteria: GeneDx Variant Classification (06012015). Collection method: clinical testing. Allele origin: germline. Affected: yes.
Comment: The S208L variant in the RNASEH2A gene has not been reported previously as a pathogenic variant, nor as a benign variant, to our knowledge. The S208L variant is not observed in large population cohorts (Lek et al., 2016; 1000 Genomes Consortium et al., 2015; Exome Variant Server). The S208L variant is a non-conservative amino acid substitution, which is likely to impact secondary protein structure as these residues differ in polarity, charge, size and/or other properties. This substitution occurs at a position that is conserved across species, and in silico analysis predicts this variant is probably damaging to the protein structure/function. We interpret S208L as a variant of uncertain significance.

NM_006397.3(RNASEH2A):c.623C>T (p.Ser208Leu)

Gene: RNASEH2A (ribonuclease H2 subunit A; plus strand). Cytogenetic location: 19p13.13.
Variant type: single nucleotide variant.
Coding change: c.623C>T on transcript NM_006397.3 (MANE Select); coding-DNA position 623, C replaced by T.
Protein change: p.Ser208Leu; replaces serine 208 with leucine.
Molecular consequence: missense variant.
Genome position (GRCh38, 1-based): chr19:12,810,390, C>T. VCF-style: chr19-12810390-C-T. GRCh37 (hg19) VCF-style: chr19-12921204-C-T.
Other names: short protein forms S208L.
Identifiers: ClinVar variation 451557 (VCV000451557.2), dbSNP rs1555734806, ClinGen allele CA404267912.